The following is an entry in ClinVar:

ClinVar aggregate classification (germline): Benign/Likely benign. Review status: criteria provided, multiple submitters, no conflicts (2 of 4 stars). 5 submissions from 5 submitters: Benign (1); Likely benign (4). Last evaluated 2026-01-13.

Conditions:
Schinzel-Giedion syndrome (SGS). Identifiers: Orphanet 798, MedGen C0265227, MONDO:0010010, OMIM 269150.

Allele frequency attached by ClinVar (database versions not stated): 1000 Genomes Project 30x 0.00016; ESP Exome Variant Server 0.00023; TOPMed 0.00023; gnomAD exomes 0.00017 and 0.00027; gnomAD 0.00019; 1000 Genomes Project 0.00020; ExAC 0.00025.
gnomAD v4.1: 280 of 1,614,138 alleles (0.017%); highest among the groups gnomAD compares: Middle Eastern, 0.15%; 3 homozygotes.

Submissions (5):

Labcorp Genetics (formerly Invitae), Labcorp
Classification: Likely benign. Last evaluated: 2026-01-13. Review status: criteria provided, single submitter. Criteria: Invitae Variant Classification Sherloc (09022015). Collection method: clinical testing. Allele origin: germline.

KCCC/NGS Laboratory, Kuwait Cancer Control Center
Classification: Benign for Schinzel-Giedion syndrome. Last evaluated: 2025-02-01. Review status: criteria provided, single submitter. Criteria: ACMG Guidelines, 2015. Collection method: clinical testing. Allele origin: germline. Affected: no.

Blueprint Genetics
Classification: Likely benign. Last evaluated: 2024-11-26. Review status: criteria provided, single submitter. Criteria: ACMG Guidelines, 2015. Collection method: clinical testing. Allele origin: germline.

CeGaT Center for Human Genetics Tuebingen
Classification: Likely benign. Last evaluated: 2023-09-01. Review status: criteria provided, single submitter. Criteria: CeGaT Center For Human Genetics Tuebingen Variant Classification Criteria Version 2. Collection method: clinical testing. Allele origin: germline. Affected: yes. Observed: 3 variant alleles.
Comment: SETBP1: BP4, BP7

Breakthrough Genomics
Classification: Likely benign. Review status: criteria provided, single submitter. Criteria: ACMG Guidelines, 2015. Collection method: not provided. Allele origin: germline. Inheritance: Autosomal dominant inheritance. Affected: yes.

NM_015559.3(SETBP1):c.2310G>A (p.Ala770=)

Gene: SETBP1 (SET binding protein 1; plus strand). Cytogenetic location: 18q12.3.
Variant type: single nucleotide variant.
Coding change: c.2310G>A on transcript NM_015559.3 (MANE Select); coding-DNA position 2310, G replaced by A.
Protein change: p.Ala770=; no amino-acid change (alanine 770 retained).
Molecular consequence: synonymous variant.
Genome position (GRCh38, 1-based): chr18:44,951,650, G>A. VCF-style: chr18-44951650-G-A. GRCh37 (hg19) VCF-style: chr18-42531615-G-A.
Other names: c.2310G>A, p.Ala770= (LRG_1150t1).
Identifiers: ClinVar variation 1632076 (VCV001632076.35), dbSNP rs373845529, ClinGen allele CA8945738.
Genomic context (GRCh38, chr18:44,951,650, plus strand): 5'-GCCTGTTTCTAGCCAGCCGGATGTTCCAGCCGTGCCTTCCAACTTTCAGTCACTTGTGGC[G>A]TCTTCACCAGCAGCTATGCACCCACTTTCAACACAGTTAGGTGGGTCCAATGGCAACCTG-3'
Protein context (NP_056374.2, residues 760-780): AVPSNFQSLV[Ala770=]SSPAAMHPLS